The following is an entry in ClinVar:

ClinVar aggregate classification (germline): Uncertain significance (0 of 4 stars; one submission).

Conditions:
CHD8-related disorder. Also called: CHD8-related disorders; CHD8-related condition.

gnomAD v4.1: 1 of 1,614,034 alleles (0.000062%); highest among the groups gnomAD compares: Non-Finnish European, 0.000085%; no homozygotes.

Submission:

PreventionGenetics, part of Exact Sciences
Classification: Uncertain significance for CHD8-related condition. Last evaluated: 2024-09-17. Review status: no assertion criteria provided. Collection method: clinical testing. Allele origin: germline.
Comment: The CHD8 c.1282G>A variant is predicted to result in the amino acid substitution p.Ala428Thr. To our knowledge, this variant has not been reported in the literature or in a large population database, indicating this variant is rare. At this time, the clinical significance of this variant is uncertain due to the absence of conclusive functional and genetic evidence.

NM_001170629.2(CHD8):c.1282G>A (p.Ala428Thr)

Gene: CHD8 (chromodomain helicase DNA binding protein 8; minus strand). Cytogenetic location: 14q11.2.
Variant type: single nucleotide variant.
Coding change: c.1282G>A on transcript NM_001170629.2 (MANE Select); coding-DNA position 1282, G replaced by A.
Protein change: p.Ala428Thr; replaces alanine 428 with threonine.
Molecular consequence: missense variant.
Genome position (GRCh38, 1-based): chr14:21,428,188, C>T on the plus strand (G>A on the coding strand, the complement: CHD8 is on the minus strand). VCF-style: chr14-21428188-C-T. GRCh37 (hg19) VCF-style: chr14-21896347-C-T.
Other names: c.445G>A, p.Ala149Thr (NM_020920.4); short protein forms A149T, A428T.
Identifiers: ClinVar variation 3351659 (VCV003351659.1).